The following is an entry in ClinVar:

NM_001267550.2(TTN):c.9192del (p.Lys3065fs)

Gene: TTN (titin; minus strand). Cytogenetic location: 2q31.2.
Variant type: Deletion.
Coding change: c.9192del on transcript NM_001267550.2 (MANE Select); coding-DNA position 9192, one base deleted (T; older notation c.9192delT).
Protein change: p.Lys3065fs; shifts the reading frame from lysine 3065.
Molecular consequence: frameshift variant.
Genome position (GRCh38, 1-based): chr2:178,768,127, A deleted on the plus strand (T on the coding strand, the reverse complement: TTN is on the minus strand); the first of 2 consecutive A bases (chr2:178,768,127-178,768,128); deleting either gives the same sequence. VCF-style (leftmost placement, unchanged base first): chr2-178768126-TA-T. GRCh37 (hg19) VCF-style: chr2-179632853-TA-T.
Other names: c.9192del, p.Lys3065fs (NM_001256850.1, NM_133378.4, NM_133379.5); c.9054del, p.Lys3019fs (NM_003319.4, NM_133432.3, NM_133437.4); short protein forms K3019fs, K3065fs.
Identifiers: ClinVar variation 2948049 (VCV002948049.3), dbSNP rs2532358786, ClinGen allele CA2740096293.

ClinVar aggregate classification (germline): Likely pathogenic (1 of 4 stars; one submission).

Conditions:
Dilated cardiomyopathy 1G (CMD1G). Identifiers: Orphanet 154, MedGen C1858763, MONDO:0011400, OMIM 604145.
Autosomal recessive limb-girdle muscular dystrophy type 2J (LGMDR10). Also called: Limb-girdle muscular dystrophy, type 2J; MUSCULAR DYSTROPHY, LIMB-GIRDLE, AUTOSOMAL RECESSIVE 10. Identifiers: Orphanet 140922, MedGen C1837342, MONDO:0012127, OMIM 608807.

Submission:

Labcorp Genetics (formerly Invitae), Labcorp
Classification: Likely pathogenic for Dilated cardiomyopathy 1G; Autosomal recessive limb-girdle muscular dystrophy type 2J. Last evaluated: 2024-06-24. Review status: criteria provided, single submitter. Criteria: Invitae Variant Classification Sherloc (09022015). Collection method: clinical testing. Allele origin: germline.
Comment: This sequence change creates a premature translational stop signal (p.Lys3065Argfs*27) in the TTN gene. While this is not anticipated to result in nonsense mediated decay, it is expected to create a truncated TTN protein. This variant is not present in population databases (gnomAD no frequency). This variant has not been reported in the literature in individuals affected with TTN-related conditions. This variant is located in the I band of TTN (PMID: 25589632). Truncating variants in this region have been reported in individuals affected with autosomal recessive centronuclear myopathy (PMID: 23975875, Invitae internal data). Truncating variants in this region have also been identified in individuals affected with autosomal dominant dilated cardiomyopathy and/or cardio-related conditions (PMID: 27869827, 32964742, Invitae internal data). In summary, the currently available evidence indicates that the variant is pathogenic, but additional data are needed to prove that conclusively. Therefore, this variant has been classified as Likely Pathogenic.

Literature cited by the submitters: PubMed 25589632; PubMed 23975875; PubMed 27869827; PubMed 32964742.